The following is an entry in ClinVar:

ClinVar aggregate classification (germline): Conflicting classifications of pathogenicity. Review status: criteria provided, conflicting classifications (1 of 4 stars). 5 submissions from 4 submitters: Uncertain significance (2); Likely benign (2). 1 of the submissions does not count toward it. Last evaluated 2026-01-26.

Conditions:
Glycogen storage disease IV, classic hepatic. Also called: GSD IV, CLASSIC HEPATIC. Identifiers: MedGen C1856301.
Glycogen storage disease, type IV (GSD4). Also called: Glycogen storage disease due to glycogen branching enzyme deficiency; GBE1 DEFICIENCY; GLYCOGEN BRANCHING ENZYME DEFICIENCY; GLYCOGENOSIS IV; GSD IV; AMYLOPECTINOSIS. Identifiers: Orphanet 367, MedGen C0017923, MONDO:0009292, OMIM 232500.
GBE1-related disorder. Also called: GBE1-related condition; GBE1-related disorders. Identifiers: MedGen CN239402.
Adult polyglucosan body disease (APBN). Also called: GBE1-Adult Polyglucosan Body Disease; POLYGLUCOSAN BODY DISEASE, ADULT FORM. Identifiers: Orphanet 206583, MedGen C1849722, MONDO:0009897, OMIM 263570.

Allele frequency attached by ClinVar (database versions not stated): gnomAD 0.00001 and 0.00005; TOPMed 0.00002; ExAC 0.00008; gnomAD exomes 0.00009; 1000 Genomes Project 0.00040; 1000 Genomes Project 30x 0.00062.
gnomAD v4.1: 82 of 1,605,892 alleles (0.0051%); highest among the groups gnomAD compares: South Asian, 0.067%; no homozygotes.

Submissions (5):

Labcorp Genetics (formerly Invitae), Labcorp
Classification: Likely benign for Glycogen storage disease, type IV; Glycogen storage disease IV, classic hepatic. Last evaluated: 2026-01-26. Review status: criteria provided, single submitter. Criteria: Invitae Variant Classification Sherloc (09022015). Collection method: clinical testing. Allele origin: germline.

CeGaT Center for Human Genetics Tuebingen
Classification: Likely benign. Last evaluated: 2024-06-01. Review status: criteria provided, single submitter. Criteria: CeGaT Center For Human Genetics Tuebingen Variant Classification Criteria Version 2. Collection method: clinical testing. Allele origin: germline. Affected: yes. Observed: 1 variant allele.
Comment: GBE1: BP4, BP7

Illumina Laboratory Services, Illumina
Classification: Uncertain significance for Glycogen storage disease, type IV. Last evaluated: 2018-01-13. Review status: criteria provided, single submitter. Criteria: ICSL Variant Classification Criteria 13 December 2019. Collection method: clinical testing. Allele origin: germline.

Illumina Laboratory Services, Illumina
Classification: Uncertain significance for Adult polyglucosan body disease. Last evaluated: 2018-01-13. Review status: criteria provided, single submitter. Criteria: ICSL Variant Classification Criteria 13 December 2019. Collection method: clinical testing. Allele origin: germline.

PreventionGenetics, part of Exact Sciences
Classification: Likely benign for GBE1-related condition. Last evaluated: 2023-09-15. Review status: no assertion criteria provided. Collection method: clinical testing. Allele origin: germline. Not counted in ClinVar's aggregate classification.
Comment: This variant is classified as likely benign based on ACMG/AMP sequence variant interpretation guidelines (Richards et al. 2015 PMID: 25741868, with internal and published modifications).

NM_000158.4(GBE1):c.1581G>A (p.Thr527=)

Gene: GBE1 (1,4-alpha-glucan branching enzyme 1; minus strand). Cytogenetic location: 3p12.2.
Variant type: single nucleotide variant.
Coding change: c.1581G>A on transcript NM_000158.4 (MANE Select); coding-DNA position 1581, G replaced by A.
Protein change: p.Thr527=; no amino-acid change (threonine 527 retained).
Molecular consequence: synonymous variant.
Genome position (GRCh38, 1-based): chr3:81,577,962, C>T on the plus strand (G>A on the coding strand, the complement: GBE1 is on the minus strand). VCF-style: chr3-81577962-C-T. GRCh37 (hg19) VCF-style: chr3-81627113-C-T.
Identifiers: ClinVar variation 346788 (VCV000346788.31), dbSNP rs140571802, ClinGen allele CA2499619.